The following is an entry in ClinVar:

NM_001199261.3(UCHL5):c.21G>A (p.Glu7=)

Gene: UCHL5 (ubiquitin C-terminal hydrolase L5; minus strand). Cytogenetic location: 1q31.2.
Variant type: single nucleotide variant.
Coding change: c.21G>A on transcript NM_001199261.3 (MANE Select); coding-DNA position 21, G replaced by A.
Protein change: p.Glu7=; no amino-acid change (glutamic acid 7 retained).
Molecular consequence: synonymous variant. On other transcripts: non-coding transcript variant (2), intron variant (9).
Genome position (GRCh38, 1-based): chr1:193,059,240, C>T on the plus strand (G>A on the coding strand, the complement: UCHL5 is on the minus strand). VCF-style: chr1-193059240-C-T. GRCh37 (hg19) VCF-style: chr1-193028370-C-T.
Other names: c.21G>A, p.Glu7= (NM_001199262.3, NM_001199263.3, NM_001350841.2 and 4 more transcripts); c.136+623G>A (NM_001350844.2, NM_001350840.2); c.-297+393G>A (NM_001350850.2, NM_001350848.2, NM_001350852.2); c.49+173G>A (NM_001350847.2, NM_001350846.2); c.-297+76G>A (NM_001350851.2, NM_001350849.2).
Identifiers: ClinVar variation 2639670 (VCV002639670.24), dbSNP rs757773092, ClinGen allele CA1302319.
Genomic context (GRCh38, chr1:193,059,240, plus strand): 5'-CTCACCGAATCCTTTAATGAGCTCGGTGAAGACCCCGGGGTCGCTTTCCATGAGGCACCA[C>T]TCCCCGGCATTGCCCGTCATGGCCCTGGCCACACACCGCCCCGATCCACCTCTCGCTCTC-3'
Protein context (NP_001186190.1, residues 1-17): MTGNAG[Glu7=]WCLMESDPGV

ClinVar aggregate classification (germline): Likely benign (1 of 4 stars; one submission).

Allele frequency attached by ClinVar (database versions not stated): TOPMed 0.00001; gnomAD 0.00004; gnomAD exomes 0.00009; ExAC 0.00015.
gnomAD v4.1: 145 of 1,614,000 alleles (0.009%); highest among the groups gnomAD compares: South Asian, 0.11%; 3 homozygotes.

Submission:

CeGaT Center for Human Genetics Tuebingen
Classification: Likely benign. Last evaluated: 2022-04-01. Review status: criteria provided, single submitter. Criteria: CeGaT Center For Human Genetics Tuebingen Variant Classification Criteria Version 2. Collection method: clinical testing. Allele origin: germline. Affected: yes. Observed: 1 variant allele.
Comment: UCHL5: BP4, BP7